The following is an entry in ClinVar:

ClinVar aggregate classification (germline): Uncertain significance (1 of 4 stars; one submission).

Submission:

Ambry Genetics
Classification: Uncertain significance. Last evaluated: 2022-07-10. Review status: criteria provided, single submitter. Criteria: Ambry Variant Classification Scheme 2023. Collection method: clinical testing. Allele origin: germline.
Comment: The p.T232A variant (also known as c.694A>G), located in coding exon 1 of the EGLN1 gene, results from an A to G substitution at nucleotide position 694. The threonine at codon 232 is replaced by alanine, an amino acid with similar properties. This amino acid position is conserved. In addition, this alteration is predicted to be tolerated by in silico analysis. Since supporting evidence is limited at this time, the clinical significance of this alteration remains unclear.

NM_022051.3(EGLN1):c.694A>G (p.Thr232Ala)

Gene: EGLN1 (egl-9 family hypoxia inducible factor 1; minus strand). Cytogenetic location: 1q42.2.
Variant type: single nucleotide variant.
Coding change: c.694A>G on transcript NM_022051.3 (MANE Select); coding-DNA position 694, A replaced by G.
Protein change: p.Thr232Ala; replaces threonine 232 with alanine.
Molecular consequence: missense variant.
Genome position (GRCh38, 1-based): chr1:231,421,195, T>C on the plus strand (A>G on the coding strand, the complement: EGLN1 is on the minus strand). VCF-style: chr1-231421195-T-C. GRCh37 (hg19) VCF-style: chr1-231556941-T-C.
Other names: c.694A>G, p.Thr232Ala (NM_001377260.1, NM_001377261.1); short protein forms T232A.
Identifiers: ClinVar variation 1756278 (VCV001756278.2), dbSNP rs2527358912, ClinGen allele CA345235832.